The following is an entry in ClinVar:

ClinVar aggregate classification (germline): Uncertain significance (1 of 4 stars; one submission).

Conditions:
Kabuki syndrome. Also called: NIIKAWA-KUROKI SYNDROME; Kabuki make-up syndrome. Identifiers: Orphanet 2322, MedGen C0796004, MONDO:0016512.

Submission:

Labcorp Genetics (formerly Invitae), Labcorp
Classification: Uncertain significance for Kabuki syndrome. Last evaluated: 2025-02-26. Review status: criteria provided, single submitter. Criteria: Invitae Variant Classification Sherloc (09022015). Collection method: clinical testing. Allele origin: germline.
Comment: This sequence change replaces proline, which is neutral and non-polar, with serine, which is neutral and polar, at codon 844 of the KMT2D protein (p.Pro844Ser). Information on the frequency of this variant in the gnomAD database is not available, as this variant may be reported differently in the database. This variant has not been reported in the literature in individuals affected with KMT2D-related conditions. This missense change has been observed in at least one individual who was not affected with KMT2D-related conditions (internal data). Experimental studies and prediction algorithms are not available or were not evaluated, and the functional significance of this variant is currently unknown. In summary, the available evidence is currently insufficient to determine the role of this variant in disease. Therefore, it has been classified as a Variant of Uncertain Significance.

NM_003482.4(KMT2D):c.2529_2530delinsTT (p.Pro844Ser)

Gene: KMT2D (lysine methyltransferase 2D; minus strand). Cytogenetic location: 12q13.12.
Variant type: Indel.
Coding change: c.2529_2530delinsTT on transcript NM_003482.4 (MANE Select); coding-DNA positions 2529 to 2530, CC replaced by TT.
Protein change: p.Pro844Ser; replaces proline 844 with serine.
Molecular consequence: missense variant.
Genome position (GRCh38, 1-based): chr12:49,051,153-49,051,154, GG replaced by AA on the plus strand (CC replaced by TT on the coding strand, the reverse complement: KMT2D is on the minus strand). VCF-style: chr12-49051153-GG-AA. GRCh37 (hg19) VCF-style: chr12-49444936-GG-AA.
Other names: short protein forms P844S.
Identifiers: ClinVar variation 3729327 (VCV003729327.2).